The following is an entry in ClinVar:

ClinVar aggregate classification (germline): Benign/Likely benign. Review status: criteria provided, multiple submitters, no conflicts (2 of 4 stars). 4 submissions from 4 submitters: Benign (1); Likely benign (3). Last evaluated 2026-02-02.

Conditions:
Thrombophilia due to protein S deficiency, autosomal recessive (THPH6). Identifiers: Orphanet 743, MedGen C3281092, MONDO:0013791, OMIM 614514. Disease mechanism: loss of function.
Thrombophilia due to protein S deficiency, autosomal dominant (THPH5). Identifiers: Orphanet 26349, Orphanet 743, MedGen C3278211, MONDO:0012868, OMIM 612336. Disease mechanism: loss of function.

Allele frequency attached by ClinVar (database versions not stated): 1000 Genomes Project 30x 0.01062; ESP Exome Variant Server 0.01223; gnomAD exomes 0.00252; ExAC 0.00323; gnomAD 0.00913 and 0.00981; 1000 Genomes Project 0.00938; TOPMed 0.01053.
gnomAD v4.1: 2,885 of 1,613,888 alleles (0.18%); highest among the groups gnomAD compares: African/African-American, 3.2%; 38 homozygotes.

Submissions (4):

Labcorp Genetics (formerly Invitae), Labcorp
Classification: Benign for Thrombophilia due to protein S deficiency, autosomal recessive. Last evaluated: 2026-02-02. Review status: criteria provided, single submitter. Criteria: Invitae Variant Classification Sherloc (09022015). Collection method: clinical testing. Allele origin: germline.

Mayo Clinic Laboratories, Mayo Clinic
Classification: Likely benign. Last evaluated: 2022-09-09. Review status: criteria provided, single submitter. Criteria: ACMG Guidelines, 2015. Collection method: clinical testing. Allele origin: germline. Observed: 11 variant alleles.

Illumina Laboratory Services, Illumina
Classification: Likely benign for Thrombophilia due to protein S deficiency, autosomal dominant. Last evaluated: 2018-01-12. Review status: criteria provided, single submitter. Criteria: ICSL Variant Classification Criteria 13 December 2019. Collection method: clinical testing. Allele origin: germline.
Comment: This variant was observed in the ICSL laboratory as part of a predisposition screen in an ostensibly healthy population. It had not been previously curated by ICSL or reported in the Human Gene Mutation Database (HGMD: prior to June 1st, 2018), and was therefore a candidate for classification through an automated scoring system. Utilizing variant allele frequency, disease prevalence and penetrance estimates, and inheritance mode, an automated score was calculated to assess if this variant is too frequent to cause the disease. Based on the score and internal cut-off values, a variant classified as likely benign is not then subjected to further curation. The score for this variant resulted in a classification of likely benign for this disease.

Breakthrough Genomics
Classification: Likely benign. Review status: criteria provided, single submitter. Criteria: ACMG Guidelines, 2015. Collection method: not provided. Allele origin: germline. Inheritance: Autosomal recessive inheritance. Affected: yes.

NM_000313.4(PROS1):c.1032C>T (p.Ile344=)

Gene: PROS1 (protein S; minus strand). Cytogenetic location: 3q11.1.
Variant type: single nucleotide variant.
Coding change: c.1032C>T on transcript NM_000313.4 (MANE Select); coding-DNA position 1032, C replaced by T.
Protein change: p.Ile344=; no amino-acid change (isoleucine 344 retained).
Molecular consequence: synonymous variant.
Genome position (GRCh38, 1-based): chr3:93,893,056, G>A on the plus strand (C>T on the coding strand, the complement: PROS1 is on the minus strand). VCF-style: chr3-93893056-G-A. GRCh37 (hg19) VCF-style: chr3-93611900-G-A.
Other names: p.Ile344=; c.1128C>T, p.Ile376= (NM_001314077.2).
Identifiers: ClinVar variation 346884 (VCV000346884.16), dbSNP rs78449232, ClinGen allele CA2503287.